The following is an entry in ClinVar:

ClinVar aggregate classification (germline): Uncertain significance. Review status: criteria provided, multiple submitters, no conflicts (2 of 4 stars). 2 submissions from 2 submitters: Uncertain significance (2). Last evaluated 2024-02-17.

Conditions:
Lipoic acid synthetase deficiency. Also called: HYPERGLYCINEMIA, LACTIC ACIDOSIS, AND SEIZURES. Identifiers: Orphanet 401859, MedGen C3280887, MONDO:0013762, OMIM 614462.

Allele frequency attached by ClinVar (database versions not stated): ExAC 0.00001; gnomAD exomes 0.00001 and 0.00002; TOPMed 0.00002; gnomAD 0.00003.
gnomAD v4.1: 23 of 1,611,698 alleles (0.0014%); highest among the groups gnomAD compares: South Asian, 0.0066%; no homozygotes.

Submissions (2):

Labcorp Genetics (formerly Invitae), Labcorp
Classification: Uncertain significance for Lipoic acid synthetase deficiency. Last evaluated: 2024-02-17. Review status: criteria provided, single submitter. Criteria: Invitae Variant Classification Sherloc (09022015). Collection method: clinical testing. Allele origin: germline.
Comment: This sequence change replaces alanine, which is neutral and non-polar, with threonine, which is neutral and polar, at codon 126 of the LIAS protein (p.Ala126Thr). The frequency data for this variant in the population databases is considered unreliable, as metrics indicate poor data quality at this position in the gnomAD database. This variant has not been reported in the literature in individuals affected with LIAS-related conditions. ClinVar contains an entry for this variant (Variation ID: 586125). An algorithm developed to predict the effect of missense changes on protein structure and function (PolyPhen-2) suggests that this variant¬†is likely to be tolerated. In summary, the available evidence is currently insufficient to determine the role of this variant in disease. Therefore, it has been classified as a Variant of Uncertain Significance.

Athena Diagnostics
Classification: Uncertain significance. Last evaluated: 2018-03-29. Review status: criteria provided, single submitter. Criteria: Athena Diagnostics Criteria. Collection method: clinical testing. Allele origin: germline.

NM_006859.4(LIAS):c.376G>A (p.Ala126Thr)

Gene: LIAS (lipoic acid synthetase; plus strand). Cytogenetic location: 4p14.
Variant type: single nucleotide variant.
Coding change: c.376G>A on transcript NM_006859.4 (MANE Select); coding-DNA position 376, G replaced by A.
Protein change: p.Ala126Thr; replaces alanine 126 with threonine.
Molecular consequence: missense variant. On other transcripts: synonymous variant (2).
Genome position (GRCh38, 1-based): chr4:39,463,588, G>A. VCF-style: chr4-39463588-G-A. GRCh37 (hg19) VCF-style: chr4-39465208-G-A.
Other names: c.376G>A, p.Ala126Thr (NM_001278590.2, NM_001278591.2, NM_194451.3); c.282G>A, p.Pro94= (NM_001278592.2, NM_001363700.2); short protein forms A126T.
Identifiers: ClinVar variation 586125 (VCV000586125.10), dbSNP rs74528014, ClinGen allele CA2894653.
Genomic context (GRCh38, chr4:39,463,588, plus strand): 5'-TGTGAGGAAGCTCGATGTCCCAATATTGGAGAGTGTTGGGGAGGTGGAGAATATGCCACC[G>A]CCACAGCCACGATCATGGTAGGGCCAGCCTCAACCTCTATGGCTTTAGTCTAGAAACTGA-3'
Protein context (NP_006850.2, residues 116-136): ECWGGGEYAT[Ala126Thr]TATIMLMGDT